The following is an entry in ClinVar:

ClinVar aggregate classification (germline): Pathogenic (1 of 4 stars; one submission).

Conditions:
Cardiovascular phenotype. Identifiers: MedGen CN230736.

Submission:

Ambry Genetics
Classification: Pathogenic for Cardiovascular phenotype. Last evaluated: 2025-04-14. Review status: criteria provided, single submitter. Criteria: Ambry Variant Classification Scheme 2023. Collection method: clinical testing. Allele origin: germline.
Comment: The c.1069delC pathogenic mutation, located in coding exon 12 of the MYBPC3 gene, results from a deletion of one nucleotide at nucleotide position 1069, causing a translational frameshift with a predicted alternate stop codon (p.R357Afs*19). This variant was reported in individual(s) with features consistent with hypertrophic cardiomyopathy (Ambry internal data). This variant is considered to be rare based on population cohorts in the Genome Aggregation Database (gnomAD). This alteration is expected to result in loss of function by premature protein truncation or nonsense-mediated mRNA decay. As such, this alteration is interpreted as a disease-causing mutation.

NM_000256.3(MYBPC3):c.1069del (p.Arg357fs)

Gene: MYBPC3 (myosin binding protein C3; minus strand). Cytogenetic location: 11p11.2.
Variant type: Deletion.
Coding change: c.1069del on transcript NM_000256.3 (MANE Select); coding-DNA position 1069, one base deleted (C; older notation c.1069delC).
Protein change: p.Arg357fs; shifts the reading frame from arginine 357.
Molecular consequence: frameshift variant.
Genome position (GRCh38, 1-based): chr11:47,346,228, G deleted on the plus strand (C on the coding strand, the reverse complement: MYBPC3 is on the minus strand). VCF-style (leftmost placement, unchanged base first): chr11-47346227-CG-C. GRCh37 (hg19) VCF-style: chr11-47367778-CG-C.
Other names: c.1069delC (NM_000256.3); short protein forms R357fs.
Identifiers: ClinVar variation 3915205 (VCV003915205.1).